The following is an entry in ClinVar:

NM_002599.5(PDE2A):c.2364C>T (p.Tyr788=)

Gene: PDE2A (phosphodiesterase 2A; minus strand). Cytogenetic location: 11q13.4.
Variant type: single nucleotide variant.
Coding change: c.2364C>T on transcript NM_002599.5 (MANE Select); coding-DNA position 2364, C replaced by T.
Protein change: p.Tyr788=; no amino-acid change (tyrosine 788 retained).
Molecular consequence: synonymous variant.
Genome position (GRCh38, 1-based): chr11:72,579,002, G>A on the plus strand (C>T on the coding strand, the complement: PDE2A is on the minus strand). VCF-style: chr11-72579002-G-A. GRCh37 (hg19) VCF-style: chr11-72290046-G-A.
Other names: c.2343C>T, p.Tyr781= (NM_001143839.4); c.2337C>T, p.Tyr779= (NM_001146209.3); c.2301C>T, p.Tyr767= (NM_001243784.2).
Identifiers: ClinVar variation 1591091 (VCV001591091.13), dbSNP rs141055431, ClinGen allele CA6171871.
Genomic context (GRCh38, chr11:72,579,002, plus strand): 5'-GTCACAGGAGGTCATGAGGAGGCAGAGGAGAAGTCTGTGGTGCTGCTTGTTGTTTCGGTC[G>A]TAGCCCACTGTTGAGGGGAGGATGGGGTCAAGGAGCGGGGCCCAGCCTCTTTGCCCTTCT-3'
Protein context (NP_002590.1, residues 778-798): KDLQKMAEVG[Tyr788=]DRNNKQHHRL

ClinVar aggregate classification (germline): Likely benign. Review status: criteria provided, multiple submitters, no conflicts (2 of 4 stars). 2 submissions from 2 submitters: Likely benign (2). Last evaluated 2026-03-01.

Allele frequency attached by ClinVar (database versions not stated): ExAC 0.00003; gnomAD exomes 0.00006; TOPMed 0.00009; gnomAD 0.00013; ESP Exome Variant Server 0.00015.
gnomAD v4.1: 59 of 1,609,600 alleles (0.0037%); highest among the groups gnomAD compares: African/African-American, 0.031%; no homozygotes.

Submissions (2):

CeGaT Center for Human Genetics Tuebingen
Classification: Likely benign. Last evaluated: 2026-03-01. Review status: criteria provided, single submitter. Criteria: CeGaT Center For Human Genetics Tuebingen Variant Classification Criteria Version 2. Collection method: clinical testing. Allele origin: germline. Affected: yes. Observed: 1 variant allele.
Comment: PDE2A: BP4, BP7

Labcorp Genetics (formerly Invitae), Labcorp
Classification: Likely benign. Last evaluated: 2022-10-27. Review status: criteria provided, single submitter. Criteria: Invitae Variant Classification Sherloc (09022015). Collection method: clinical testing. Allele origin: germline.